The following is an entry in ClinVar:

ClinVar aggregate classification (germline): Uncertain significance. Review status: criteria provided, multiple submitters, no conflicts (2 of 4 stars). 3 submissions from 3 submitters: Uncertain significance (3). Last evaluated 2023-06-28.

Conditions:
Intellectual disability, autosomal dominant 16 (CSS4). Also called: COFFIN-SIRIS SYNDROME 4. Identifiers: Orphanet 1465, MedGen C3553249, MONDO:0013821, OMIM 614609.
Hereditary cancer-predisposing syndrome. Also called: Neoplastic Syndromes, Hereditary; Tumor predisposition; Hereditary neoplastic syndrome; Hereditary Cancer Syndrome. Identifiers: Orphanet 140162, MedGen C0027672, MeSH D009386, MONDO:0015356.
Rhabdoid tumor predisposition syndrome 2 (RTPS2). Identifiers: Orphanet 231108, Orphanet 69077, MedGen C2750074, MONDO:0013224, OMIM 613325.

Allele frequency attached by ClinVar (database versions not stated): gnomAD below 0.00001 and 0.00001; gnomAD exomes 0.00001.
gnomAD v4.1: 9 of 1,541,484 alleles (0.00058%); highest among the groups gnomAD compares: South Asian, 0.0036%; no homozygotes.

Submissions (3):

Labcorp Genetics (formerly Invitae), Labcorp
Classification: Uncertain significance for Rhabdoid tumor predisposition syndrome 2. Last evaluated: 2023-06-28. Review status: criteria provided, single submitter. Criteria: Invitae Variant Classification Sherloc (09022015). Collection method: clinical testing. Allele origin: germline.
Comment: In summary, the available evidence is currently insufficient to determine the role of this variant in disease. Therefore, it has been classified as a Variant of Uncertain Significance. Advanced modeling of protein sequence and biophysical properties (such as structural, functional, and spatial information, amino acid conservation, physicochemical variation, residue mobility, and thermodynamic stability) performed at Invitae indicates that this missense variant is not expected to disrupt SMARCA4 protein function. ClinVar contains an entry for this variant (Variation ID: 826777). This variant has not been reported in the literature in individuals affected with SMARCA4-related conditions. This variant is present in population databases (rs572494136, gnomAD 0.002%). This sequence change replaces proline, which is neutral and non-polar, with leucine, which is neutral and non-polar, at codon 234 of the SMARCA4 protein (p.Pro234Leu).

Genome-Nilou Lab
Classification: Uncertain significance for Intellectual disability, autosomal dominant 16. Last evaluated: 2021-07-15. Review status: criteria provided, single submitter. Criteria: ACMG Guidelines, 2015. Collection method: clinical testing. Allele origin: germline. Affected: no.

Ambry Genetics
Classification: Uncertain significance for Hereditary cancer-predisposing syndrome. Last evaluated: 2019-08-12. Review status: criteria provided, single submitter. Criteria: Ambry Variant Classification Scheme 2023. Collection method: clinical testing. Allele origin: germline.
Comment: The p.P234L variant (also known as c.701C>T), located in coding exon 3 of the SMARCA4 gene, results from a C to T substitution at nucleotide position 701. The proline at codon 234 is replaced by leucine, an amino acid with similar properties. This amino acid position is well conserved in available vertebrate species. In addition, this alteration is predicted to be tolerated by in silico analysis. Since supporting evidence is limited at this time, the clinical significance of this alteration remains unclear.

NM_003072.5(SMARCA4):c.701C>T (p.Pro234Leu)

Gene: SMARCA4 (SWI/SNF related BAF chromatin remodeling complex subunit ATPase 4; plus strand). Cytogenetic location: 19p13.2.
Variant type: single nucleotide variant.
Coding change: c.701C>T on transcript NM_003072.5 (MANE Select); coding-DNA position 701, C replaced by T.
Protein change: p.Pro234Leu; replaces proline 234 with leucine.
Molecular consequence: missense variant. On other transcripts: non-coding transcript variant (1).
Genome position (GRCh38, 1-based): chr19:10,986,534, C>T. VCF-style: chr19-10986534-C-T. GRCh37 (hg19) VCF-style: chr19-11097210-C-T.
Other names: c.701C>T, p.Pro234Leu (NM_001128844.3, NM_001128845.2, NM_001128846.2 and 4 more transcripts); short protein forms P234L.
Identifiers: ClinVar variation 826777 (VCV000826777.15), dbSNP rs572494136, ClinGen allele CA305286871.